The following is an entry in ClinVar:

ClinVar aggregate classification (germline): Uncertain significance (1 of 4 stars; one submission).

Submission:

Labcorp Genetics (formerly Invitae), Labcorp
Classification: Uncertain significance. Last evaluated: 2025-02-06. Review status: criteria provided, single submitter. Criteria: Invitae Variant Classification Sherloc (09022015). Collection method: clinical testing. Allele origin: germline.
Comment: This sequence change replaces serine, which is neutral and polar, with cysteine, which is neutral and slightly polar, at codon 580 of the HK1 protein (p.Ser580Cys). This variant is not present in population databases (gnomAD no frequency). This variant has not been reported in the literature in individuals affected with HK1-related conditions. Invitae Evidence Modeling of protein sequence and biophysical properties (such as structural, functional, and spatial information, amino acid conservation, physicochemical variation, residue mobility, and thermodynamic stability) indicates that this missense variant is not expected to disrupt HK1 protein function with a negative predictive value of 80%. In summary, the available evidence is currently insufficient to determine the role of this variant in disease. Therefore, it has been classified as a Variant of Uncertain Significance.

NM_000188.3(HK1):c.1739C>G (p.Ser580Cys)

Gene: HK1 (hexokinase 1; plus strand). Cytogenetic location: 10q22.1.
Variant type: single nucleotide variant.
Coding change: c.1739C>G on transcript NM_000188.3 (MANE Select); coding-DNA position 1739, C replaced by G.
Protein change: p.Ser580Cys; replaces serine 580 with cysteine.
Molecular consequence: missense variant. On other transcripts: non-coding transcript variant (2), intron variant (1).
Genome position (GRCh38, 1-based): chr10:69,384,815, C>G. VCF-style: chr10-69384815-C-G. GRCh37 (hg19) VCF-style: chr10-71144571-C-G.
Other names: c.1751C>G, p.Ser584Cys (NM_001322364.2, NM_001358263.1, NM_033497.3 and 1 more transcripts); c.1844C>G, p.Ser615Cys (NM_001322365.2); c.1655C>G, p.Ser552Cys (NM_001322366.1, NM_001441143.1); c.1643C>G, p.Ser548Cys (NM_001322367.1); c.1739C>G, p.Ser580Cys (NM_001441139.1, NM_001441141.1, NM_001441146.1 and 1 more transcripts); c.1730C>G, p.Ser577Cys (NM_001441140.1); c.1697C>G, p.Ser566Cys (NM_001441142.1); c.1619C>G, p.Ser540Cys (NM_001441144.1); and 9 more; short protein forms S450C, S580C, S244C, S367C, S506C, S540C, S548C, S552C.
Identifiers: ClinVar variation 4781616 (VCV004781616.1).